The following is an entry in ClinVar:

ClinVar aggregate classification (germline): Uncertain significance. Review status: criteria provided, multiple submitters, no conflicts (2 of 4 stars). 2 submissions from 2 submitters: Uncertain significance (2). Last evaluated 2022-09-07.

Conditions:
Familial acute necrotizing encephalopathy (IIAE3). Also called: ENCEPHALOPATHY, ACUTE, INFECTION-INDUCED, SUSCEPTIBILITY TO, 3; Susceptibility to Acute Necrotizing Encephalopathy 1. Identifiers: Orphanet 88619, MedGen C2675556, MONDO:0011953, OMIM 608033.

Allele frequency attached by ClinVar (database versions not stated): ExAC 0.00001; gnomAD exomes 0.00002; gnomAD 0.00003 and 0.00004; TOPMed 0.00003.
gnomAD v4.1: 35 of 1,613,056 alleles (0.0022%); highest among the groups gnomAD compares: Admixed American, 0.012%; no homozygotes.

Submissions (2):

Ambry Genetics
Classification: Uncertain significance. Last evaluated: 2022-09-07. Review status: criteria provided, single submitter. Criteria: Ambry Variant Classification Scheme 2023. Collection method: clinical testing. Allele origin: germline.

Labcorp Genetics (formerly Invitae), Labcorp
Classification: Uncertain significance for Familial acute necrotizing encephalopathy. Last evaluated: 2020-09-26. Review status: criteria provided, single submitter. Criteria: Invitae Variant Classification Sherloc (09022015). Collection method: clinical testing. Allele origin: germline.
Comment: This variant has not been reported in the literature in individuals with RANBP2-related conditions. This variant is present in population databases (rs749548826, ExAC 0.009%). This sequence change replaces lysine with glutamine at codon 2622 of the RANBP2 protein (p.Lys2622Gln). The lysine residue is highly conserved and there is a small physicochemical difference between lysine and glutamine. Algorithms developed to predict the effect of missense changes on protein structure and function are either unavailable or do not agree on the potential impact of this missense change (SIFT: "Tolerated"; PolyPhen-2: "Possibly Damaging"; Align-GVGD: "Class C0"). In summary, the available evidence is currently insufficient to determine the role of this variant in disease. Therefore, it has been classified as a Variant of Uncertain Significance.

NM_006267.5(RANBP2):c.7864A>C (p.Lys2622Gln)

Gene: RANBP2 (RAN binding protein 2; plus strand). Cytogenetic location: 2q13.
Variant type: single nucleotide variant.
Coding change: c.7864A>C on transcript NM_006267.5 (MANE Select); coding-DNA position 7864, A replaced by C.
Protein change: p.Lys2622Gln; replaces lysine 2622 with glutamine.
Molecular consequence: missense variant.
Genome position (GRCh38, 1-based): chr2:108,771,715, A>C. VCF-style: chr2-108771715-A-C. GRCh37 (hg19) VCF-style: chr2-109388171-A-C.
Other names: c.7864A>C (NM_006267.4); short protein forms K2622Q.
Identifiers: ClinVar variation 1045565 (VCV001045565.10), dbSNP rs749548826, ClinGen allele CA1823691.